The following is an entry in ClinVar:

ClinVar aggregate classification (germline): Likely benign. Review status: criteria provided, multiple submitters, no conflicts (2 of 4 stars). 2 submissions from 2 submitters: Likely benign (2). Last evaluated 2025-02-15.

Conditions:
Bethlem myopathy 1A. Also called: MYOPATHY, BENIGN CONGENITAL, WITH CONTRACTURES; Bethlem myopathy 1; Bethlem Muscular Dystrophy. Identifiers: Orphanet 610, MedGen CN029274, MONDO:0024530, OMIM 158810.
Collagen 6-related myopathy. Identifiers: MedGen CN117976, MONDO:0100225.

Allele frequency attached by ClinVar (database versions not stated): gnomAD exomes 0.00001 and 0.00002; ExAC 0.00007.
gnomAD v4.1: 31 of 1,608,806 alleles (0.0019%); highest among the groups gnomAD compares: East Asian, 0.069%; no homozygotes.

Submissions (2):

Labcorp Genetics (formerly Invitae), Labcorp
Classification: Likely benign for Bethlem myopathy 1A. Last evaluated: 2025-02-15. Review status: criteria provided, single submitter. Criteria: Invitae Variant Classification Sherloc (09022015). Collection method: clinical testing. Allele origin: germline.

Illumina Laboratory Services, Illumina
Classification: Likely benign for Collagen VI-related myopathy. Last evaluated: 2018-01-12. Review status: criteria provided, single submitter. Criteria: ICSL Variant Classification Criteria 13 December 2019. Collection method: clinical testing. Allele origin: germline.
Comment: This variant was observed in the ICSL laboratory as part of a predisposition screen in an ostensibly healthy population. It had not been previously curated by ICSL or reported in the Human Gene Mutation Database (HGMD: prior to June 1st, 2018), and was therefore a candidate for classification through an automated scoring system. Utilizing variant allele frequency, disease prevalence and penetrance estimates, and inheritance mode, an automated score was calculated to assess if this variant is too frequent to cause the disease. Based on the score and internal cut-off values, a variant classified as likely benign is not then subjected to further curation. The score for this variant resulted in a classification of likely benign for this disease.

NM_001848.3(COL6A1):c.1366A>G (p.Arg456Gly)

Gene: COL6A1 (collagen type VI alpha 1 chain; plus strand). Cytogenetic location: 21q22.3.
Variant type: single nucleotide variant.
Coding change: c.1366A>G on transcript NM_001848.3 (MANE Select); coding-DNA position 1366, A replaced by G.
Protein change: p.Arg456Gly; replaces arginine 456 with glycine.
Molecular consequence: missense variant.
Genome position (GRCh38, 1-based): chr21:45,994,197, A>G. VCF-style: chr21-45994197-A-G. GRCh37 (hg19) VCF-style: chr21-47414111-A-G.
Other names: short protein forms R456G.
Identifiers: ClinVar variation 897097 (VCV000897097.5), dbSNP rs768002460, ClinGen allele CA10070263.